The following is an entry in ClinVar:

ClinVar aggregate classification (germline): Pathogenic/Likely pathogenic. Review status: criteria provided, multiple submitters, no conflicts (2 of 4 stars). 3 submissions from 3 submitters: Pathogenic (1); Likely pathogenic (1). 1 of the submissions does not count toward it. Last evaluated 2026-03-04.

Conditions:
Autosomal recessive congenital ichthyosis 2 (ARCI2). Identifiers: Orphanet 281122, Orphanet 79394, MedGen C3888093, MONDO:0009439, OMIM 242100.
ALOX12B-related disorder. Also called: ALOX12B-related condition.

Allele frequency attached by ClinVar (database versions not stated): gnomAD 0.00001; gnomAD exomes 0.00001; TOPMed 0.00001; ExAC 0.00002; ESP Exome Variant Server 0.00008.
gnomAD v4.1: 22 of 1,614,108 alleles (0.0014%); highest among the groups gnomAD compares: Non-Finnish European, 0.0017%; no homozygotes.

Submissions (3):

PreventionGenetics, part of Exact Sciences
Classification: Likely pathogenic for ALOX12B-related condition. Last evaluated: 2026-03-04. Review status: criteria provided, single submitter. Criteria: ACMG Guidelines, 2015. Collection method: clinical testing. Allele origin: germline.
Comment: The ALOX12B c.47C>T variant is predicted to result in the amino acid substitution p.Ser16Leu. This variant has been reported in the homozygous or compound heterozygous state in individuals with congenital ichthyosis (Fioretti et al. 2020. PubMed ID: 33255364; Table S1, Hotz et al. 2021. PubMed ID: 33435499; Table S3, Mohamad et al. 2021. PubMed ID: 33786896; Fioretti et al. 2024. PubMed ID: 38791074). This variant is reported in 0.0029% of alleles in individuals of Latino descent in gnomAD. This variant is interpreted as likely pathogenic.

Labcorp Genetics (formerly Invitae), Labcorp
Classification: Pathogenic. Last evaluated: 2024-08-20. Review status: criteria provided, single submitter. Criteria: Invitae Variant Classification Sherloc (09022015). Collection method: clinical testing. Allele origin: germline.
Comment: This sequence change replaces serine, which is neutral and polar, with leucine, which is neutral and non-polar, at codon 16 of the ALOX12B protein (p.Ser16Leu). This variant is present in population databases (rs147784568, gnomAD 0.003%). This missense change has been observed in individuals with autosomal recessive congenital ichthyosis (PMID: 33255364, 33435499). ClinVar contains an entry for this variant (Variation ID: 995769). Invitae Evidence Modeling of protein sequence and biophysical properties (such as structural, functional, and spatial information, amino acid conservation, physicochemical variation, residue mobility, and thermodynamic stability) indicates that this missense variant is expected to disrupt ALOX12B protein function with a positive predictive value of 80%. For these reasons, this variant has been classified as Pathogenic.

Institute for Human Genetics, University Medical Center Freiburg
Classification: Pathogenic for Autosomal recessive congenital ichthyosis 2. Last evaluated: 2021-01-07. Review status: no assertion criteria provided. Collection method: clinical testing. Allele origin: unknown. Affected: yes. Not counted in ClinVar's aggregate classification.

Literature cited by the submitters: PubMed 33255364 (cited by Labcorp Genetics (formerly Invitae), Labcorp); PubMed 33435499 (cited by Labcorp Genetics (formerly Invitae), Labcorp).

NM_001139.3(ALOX12B):c.47C>T (p.Ser16Leu)

Gene: ALOX12B (arachidonate 12-lipoxygenase, 12R type; minus strand). Cytogenetic location: 17p13.1.
Variant type: single nucleotide variant.
Coding change: c.47C>T on transcript NM_001139.3 (MANE Select); coding-DNA position 47, C replaced by T.
Protein change: p.Ser16Leu; replaces serine 16 with leucine.
Molecular consequence: missense variant.
Genome position (GRCh38, 1-based): chr17:8,087,396, G>A on the plus strand (C>T on the coding strand, the complement: ALOX12B is on the minus strand). VCF-style: chr17-8087396-G-A. GRCh37 (hg19) VCF-style: chr17-7990714-G-A.
Other names: short protein forms S16L.
Identifiers: ClinVar variation 995769 (VCV000995769.6), dbSNP rs147784568, ClinGen allele CA8367817.